The following is an entry in ClinVar:

ClinVar aggregate classification (germline): Likely pathogenic. Review status: criteria provided, multiple submitters, no conflicts (2 of 4 stars). 4 submissions from 4 submitters: Likely pathogenic (3). 1 of the submissions does not count toward it. Last evaluated 2024-12-27.

Conditions:
Polyglandular autoimmune syndrome, type 1 (APS1). Also called: Autoimmune polyendocrinopathy syndrome, type I; PGA I; APS I; HYPOADRENOCORTICISM WITH HYPOPARATHYROIDISM AND SUPERFICIAL MONILIASIS; AUTOIMMUNE POLYENDOCRINE SYNDROME, TYPE I, WITH OR WITHOUT REVERSIBLE METAPHYSEAL DYSPLASIA; Whitaker syndrome. Identifiers: Orphanet 3453, MedGen C0085859, MONDO:0009411, OMIM 240300.

Allele frequency attached by ClinVar (database versions not stated): gnomAD exomes below 0.00001.

Submissions (4):

Women's Health and Genetics/Laboratory Corporation of America, LabCorp
Classification: Likely pathogenic for Polyglandular autoimmune syndrome, type 1. Last evaluated: 2024-12-27. Review status: criteria provided, single submitter. Criteria: LabCorp Variant Classification Summary - May 2015. Collection method: clinical testing. Allele origin: germline.
Comment: Variant summary: AIRE c.247A>G (p.Lys83Glu) results in a conservative amino acid change located in the HSR domain (IPR004865) of the encoded protein sequence. Four of five in-silico tools predict a damaging effect of the variant on protein function. The variant was absent in 250954 control chromosomes (gnomAD). c.247A>G has been reported in the literature in individuals affected with Autoimmune Polyglandular Syndrome Type 1 (e.g. Nagamine_1997, Perheentupa_2006, Meisel_2021). These data indicate that the variant may be associated with disease. At least one publication reported experimental evidence evaluating an impact on protein function, and demonstrated subcellular mislocalization pattern, with decreased homomultimerization and transactivation capacity (Halonen_2004). The following publications have been ascertained in the context of this evaluation (PMID: 14974083, 9398839, 16684821, 34061776). ClinVar contains an entry for this variant (Variation ID: 3308). Based on the evidence outlined above, the variant was classified as likely pathogenic.

Labcorp Genetics (formerly Invitae), Labcorp
Classification: Likely pathogenic for Polyglandular autoimmune syndrome, type 1. Last evaluated: 2022-06-23. Review status: criteria provided, single submitter. Criteria: Invitae Variant Classification Sherloc (09022015). Collection method: clinical testing. Allele origin: germline.
Comment: This sequence change replaces lysine, which is basic and polar, with glutamic acid, which is acidic and polar, at codon 83 of the AIRE protein (p.Lys83Glu). This variant is not present in population databases (gnomAD no frequency). This missense change has been observed in individual(s) with autosomal recessive autoimmune polyendocrinopathy syndrome (PMID: 9398839). In at least one individual the data is consistent with being in trans (on the opposite chromosome) from a pathogenic variant. ClinVar contains an entry for this variant (Variation ID: 3308). Advanced modeling of protein sequence and biophysical properties (such as structural, functional, and spatial information, amino acid conservation, physicochemical variation, residue mobility, and thermodynamic stability) performed at Invitae indicates that this missense variant is expected to disrupt AIRE protein function. Experimental studies have shown that this missense change affects AIRE function (PMID: 14974083). In summary, the currently available evidence indicates that the variant is pathogenic, but additional data are needed to prove that conclusively. Therefore, this variant has been classified as Likely Pathogenic.

Kariminejad - Najmabadi Pathology & Genetics Center
Classification: Likely pathogenic for Polyglandular autoimmune syndrome, type 1. Review status: criteria provided, single submitter. Criteria: ACMG Guidelines, 2015. Collection method: clinical testing. Allele origin: germline. Affected: no.

OMIM
Classification: Pathogenic for AUTOIMMUNE POLYENDOCRINOPATHY SYNDROME, TYPE I. Last evaluated: 1997-12-01. Review status: no assertion criteria provided. Collection method: literature only. Allele origin: germline. Not counted in ClinVar's aggregate classification.

Literature cited by the submitters: PubMed 16684821 (cited by Women's Health and Genetics/Laboratory Corporation of America, LabCorp); PubMed 9398839 (cited by 3 submitters); PubMed 14974083 (cited by Women's Health and Genetics/Laboratory Corporation of America, LabCorp and Labcorp Genetics (formerly Invitae), Labcorp); PubMed 34061776 (cited by Women's Health and Genetics/Laboratory Corporation of America, LabCorp).

NM_000383.4(AIRE):c.247A>G (p.Lys83Glu)

Gene: AIRE (autoimmune regulator; plus strand). Cytogenetic location: 21q22.3.
Variant type: single nucleotide variant.
Coding change: c.247A>G on transcript NM_000383.4 (MANE Select); coding-DNA position 247, A replaced by G.
Protein change: p.Lys83Glu; replaces lysine 83 with glutamic acid.
Molecular consequence: missense variant.
Genome position (GRCh38, 1-based): chr21:44,286,671, A>G. VCF-style: chr21-44286671-A-G. GRCh37 (hg19) VCF-style: chr21-45706554-A-G.
Other names: short protein forms K83E.
Identifiers: ClinVar variation 3308 (VCV000003308.8), dbSNP rs121434255, ClinGen allele CA116137.
Genomic context (GRCh38, chr21:44,286,671, plus strand): 5'-CTGTCCTGGCTGCTGACCCAGGACTCCACAGCCATCCTGGACTTCTGGAGGGTGCTGTTC[A>G]AGGACTACAACCTGGAGCGCTATGGCCGGCTGCAGCCCATCCTGGACAGCTTCCCCAAAG-3'
Protein context (NP_000374.1, residues 73-93): AILDFWRVLF[Lys83Glu]DYNLERYGRL